The following is an entry in ClinVar:

ClinVar aggregate classification (germline): Benign (1 of 4 stars; one submission).

Allele frequency attached by ClinVar (database versions not stated): gnomAD 0.09530 and 0.10119; TOPMed 0.11022; 1000 Genomes Project 30x 0.16412; 1000 Genomes Project 0.16593.
gnomAD v4.1: 15,369 of 152,260 alleles (10%); highest among the groups gnomAD compares: East Asian, 27%; 1,074 homozygotes.

Submission:

GeneDx
Classification: Benign. Last evaluated: 2018-06-19. Review status: criteria provided, single submitter. Criteria: GeneDx Variant Classification (06012015). Collection method: clinical testing. Allele origin: germline. Affected: yes.
Comment: This variant is considered likely benign or benign based on one or more of the following criteria: it is a conservative change, it occurs at a poorly conserved position in the protein, it is predicted to be benign by multiple in silico algorithms, and/or has population frequency not consistent with disease.

NM_001035.3(RYR2):c.849-256T>A

Gene: RYR2 (ryanodine receptor 2; plus strand). Cytogenetic location: 1q43.
Variant type: single nucleotide variant.
Coding change: c.849-256T>A on transcript NM_001035.3 (MANE Select); 256 bases into the intron before coding-DNA position 849, T replaced by A.
Molecular consequence: intron variant.
Genome position (GRCh38, 1-based): chr1:237,422,836, T>A. VCF-style: chr1-237422836-T-A. GRCh37 (hg19) VCF-style: chr1-237586136-T-A.
Identifiers: ClinVar variation 673321 (VCV000673321.1), dbSNP rs16835234, ClinGen allele CA39790558.